The following is an entry in ClinVar:

NM_000260.4(MYO7A):c.2893A>C (p.Ser965Arg)

Gene: MYO7A (myosin VIIA; plus strand). Cytogenetic location: 11q13.5.
Variant type: single nucleotide variant.
Coding change: c.2893A>C on transcript NM_000260.4 (MANE Select); coding-DNA position 2893, A replaced by C.
Protein change: p.Ser965Arg; replaces serine 965 with arginine.
Molecular consequence: missense variant.
Genome position (GRCh38, 1-based): chr11:77,181,578, A>C. VCF-style: chr11-77181578-A-C. GRCh37 (hg19) VCF-style: chr11-76892624-A-C.
Other names: c.2893A>C, p.Ser965Arg (NM_001127180.2); c.2860A>C, p.Ser954Arg (NM_001369365.1); short protein forms S954R, S965R.
Identifiers: ClinVar variation 3634260 (VCV003634260.2).

ClinVar aggregate classification (germline): Uncertain significance (1 of 4 stars; one submission).

Submission:

Labcorp Genetics (formerly Invitae), Labcorp
Classification: Uncertain significance. Last evaluated: 2024-08-12. Review status: criteria provided, single submitter. Criteria: Invitae Variant Classification Sherloc (09022015). Collection method: clinical testing. Allele origin: germline.
Comment: This sequence change replaces serine, which is neutral and polar, with arginine, which is basic and polar, at codon 965 of the MYO7A protein (p.Ser965Arg). This variant is not present in population databases (gnomAD no frequency). This variant has not been reported in the literature in individuals affected with MYO7A-related conditions. Advanced modeling of protein sequence and biophysical properties (such as structural, functional, and spatial information, amino acid conservation, physicochemical variation, residue mobility, and thermodynamic stability) performed at Invitae indicates that this missense variant is not expected to disrupt MYO7A protein function with a negative predictive value of 95%. In summary, the available evidence is currently insufficient to determine the role of this variant in disease. Therefore, it has been classified as a Variant of Uncertain Significance.